The following is an entry in ClinVar:

NM_001367624.2(ZNF469):c.10199C>G (p.Pro3400Arg)

Gene: ZNF469 (zinc finger protein 469; plus strand). Cytogenetic location: 16q24.2.
Variant type: single nucleotide variant.
Coding change: c.10199C>G on transcript NM_001367624.2 (MANE Select); coding-DNA position 10199, C replaced by G.
Protein change: p.Pro3400Arg; replaces proline 3400 with arginine.
Molecular consequence: missense variant.
Genome position (GRCh38, 1-based): chr16:88,437,669, C>G. VCF-style: chr16-88437669-C-G. GRCh37 (hg19) VCF-style: chr16-88504077-C-G.
Other names: NM_001127464.2:c.10115C>G; NM_001127464.1:c.10115C>G; short protein forms P3400R.
Identifiers: ClinVar variation 1702366 (VCV001702366.5), dbSNP rs281165933, ClinGen allele CA8225480.

ClinVar aggregate classification (germline): Uncertain significance. Review status: criteria provided, multiple submitters, no conflicts (2 of 4 stars). 2 submissions from 2 submitters: Uncertain significance (2). Last evaluated 2023-09-30.

Conditions:
Ehlers-Danlos syndrome (EDS). Identifiers: Orphanet 98249, MedGen C0013720, MONDO:0020066.
Cardiovascular phenotype. Identifiers: MedGen CN230736.

gnomAD v4.1: 18 of 1,548,628 alleles (0.0012%); highest among the groups gnomAD compares: Admixed American, 0.002%; no homozygotes.

Submissions (2):

Ambry Genetics
Classification: Uncertain significance for Cardiovascular phenotype. Last evaluated: 2023-09-30. Review status: criteria provided, single submitter. Criteria: Ambry Variant Classification Scheme 2023. Collection method: clinical testing. Allele origin: germline.
Comment: The p.P3372R variant (also known as c.10115C>G), located in coding exon 2 of the ZNF469 gene, results from a C to G substitution at nucleotide position 10115. The proline at codon 3372 is replaced by arginine, an amino acid with dissimilar properties. This amino acid position is conserved. In addition, this alteration is predicted to be tolerated by in silico analysis. Since supporting evidence is limited at this time, the clinical significance of this alteration remains unclear.

Genome Diagnostics Laboratory, The Hospital for Sick Children
Classification: Uncertain significance for Ehlers-Danlos syndrome. Last evaluated: 2021-11-04. Review status: criteria provided, single submitter. Criteria: ACMG Guidelines, 2015. Collection method: clinical testing. Allele origin: germline.